The following is an entry in ClinVar:

ClinVar aggregate classification (germline): Uncertain significance. Review status: criteria provided, multiple submitters, no conflicts (2 of 4 stars). 2 submissions from 2 submitters: Uncertain significance (2). Last evaluated 2025-08-10.

Conditions:
COL9A3-related disorder. Also called: COL9A3-related condition.

Allele frequency attached by ClinVar (database versions not stated): gnomAD exomes below 0.00001; TOPMed below 0.00001; gnomAD 0.00002.
gnomAD v4.1: 5 of 1,612,596 alleles (0.00031%); highest among the groups gnomAD compares: African/African-American, 0.0067%; no homozygotes.

Submissions (2):

Labcorp Genetics (formerly Invitae), Labcorp
Classification: Uncertain significance. Last evaluated: 2025-08-10. Review status: criteria provided, single submitter. Criteria: Invitae Variant Classification Sherloc (09022015). Collection method: clinical testing. Allele origin: germline.
Comment: This sequence change replaces glycine, which is neutral and non-polar, with arginine, which is basic and polar, at codon 62 of the COL9A3 protein (p.Gly62Arg). This variant is present in population databases (no rsID available, gnomAD 0.01%). This variant has not been reported in the literature in individuals affected with COL9A3-related conditions. ClinVar contains an entry for this variant (Variation ID: 2632987). Experimental studies and prediction algorithms are not available or were not evaluated, and the functional significance of this variant is currently unknown. In summary, the available evidence is currently insufficient to determine the role of this variant in disease. Therefore, it has been classified as a Variant of Uncertain Significance.

PreventionGenetics, part of Exact Sciences
Classification: Uncertain significance for COL9A3-related condition. Last evaluated: 2023-04-18. Review status: criteria provided, single submitter. Criteria: ACMG Guidelines, 2015. Collection method: clinical testing. Allele origin: germline.
Comment: The COL9A3 c.184G>A variant is predicted to result in the amino acid substitution p.Gly62Arg. This variant is located in the first nucleotide of exon 4 and is predicted to slightly weaken the splicing strength of the acceptor site. To our knowledge, this variant has not been reported in the literature. This variant is reported in 0.011% of alleles in individuals of African descent in gnomAD. At this time, the clinical significance of this variant is uncertain due to the absence of conclusive functional and genetic evidence.

NM_001853.4(COL9A3):c.184G>A (p.Gly62Arg)

Gene: COL9A3 (collagen type IX alpha 3 chain; plus strand). Cytogenetic location: 20q13.33.
Variant type: single nucleotide variant.
Coding change: c.184G>A on transcript NM_001853.4 (MANE Select); coding-DNA position 184, G replaced by A.
Protein change: p.Gly62Arg; replaces glycine 62 with arginine.
Molecular consequence: missense variant.
Genome position (GRCh38, 1-based): chr20:62,819,222, G>A. VCF-style: chr20-62819222-G-A. GRCh37 (hg19) VCF-style: chr20-61450574-G-A.
Other names: short protein forms G62R.
Identifiers: ClinVar variation 2632987 (VCV002632987.4), dbSNP rs985263959, ClinGen allele CA317322594.